The following is an entry in ClinVar:

ClinVar aggregate classification (germline): Likely benign. Review status: criteria provided, multiple submitters, no conflicts (2 of 4 stars). 4 submissions from 4 submitters: Likely benign (4). Last evaluated 2025-10-21.

Conditions:
Inborn genetic diseases. Identifiers: MedGen C0950123, MeSH D030342.
Monocytopenia with susceptibility to infections. Also called: MONOCYTOPENIA AND MYCOBACTERIAL INFECTION SYNDROME; MONOCYTOPENIA WITH SUSCEPTIBILITY TO MYCOBACTERIAL, FUNGAL, AND PAPILLOMAVIRUS INFECTIONS AND MYELODYSPLASIA; COMBINED IMMUNODEFICIENCY WITH SUSCEPTIBILITY TO MYCOBACTERIAL, VIRAL, AND FUNGAL INFECTIONS; Dendritic cell, monocyte, B lymphocyte, and natural killer lymphocyte deficiency; IMMUNODEFICIENCY 21; GATA2 DEFICIENCY. Identifiers: Orphanet 228423, MedGen C3280030, MONDO:0013607, OMIM 614172.
Deafness-lymphedema-leukemia syndrome. Also called: Emberger syndrome; Lymphedema, primary, with myelodysplasia. Identifiers: Orphanet 3226, MedGen C3279664, MONDO:0013540, OMIM 614038.

Allele frequency attached by ClinVar (database versions not stated): TOPMed below 0.00001; gnomAD 0.00001.
gnomAD v4.1: 17 of 1,612,738 alleles (0.0011%); highest among the groups gnomAD compares: African/African-American, 0.0027%; no homozygotes.

Submissions (4):

Labcorp Genetics (formerly Invitae), Labcorp
Classification: Likely benign for Monocytopenia with susceptibility to infections; Deafness-lymphedema-leukemia syndrome. Last evaluated: 2025-10-21. Review status: criteria provided, single submitter. Criteria: Invitae Variant Classification Sherloc (09022015). Collection method: clinical testing. Allele origin: germline.

Ambry Genetics
Classification: Likely benign for Inborn genetic diseases. Last evaluated: 2024-11-26. Review status: criteria provided, single submitter. Criteria: Ambry Variant Classification Scheme 2023. Collection method: clinical testing. Allele origin: germline.

CeGaT Center for Human Genetics Tuebingen
Classification: Likely benign. Last evaluated: 2024-05-01. Review status: criteria provided, single submitter. Criteria: CeGaT Center For Human Genetics Tuebingen Variant Classification Criteria Version 2. Collection method: clinical testing. Allele origin: germline. Affected: yes. Observed: 1 variant allele.
Comment: GATA2: BP4, BP7

Blueprint Genetics
Classification: Likely benign. Last evaluated: 2020-08-17. Review status: criteria provided, single submitter. Criteria: ACMG Guidelines, 2015. Collection method: clinical testing. Allele origin: germline.

NM_032638.5(GATA2):c.123T>C (p.Pro41=)

Gene: GATA2 (GATA binding protein 2; minus strand). Cytogenetic location: 3q21.3.
Variant type: single nucleotide variant.
Coding change: c.123T>C on transcript NM_032638.5 (MANE Select); coding-DNA position 123, T replaced by C.
Protein change: p.Pro41=; no amino-acid change (proline 41 retained).
Molecular consequence: synonymous variant.
Genome position (GRCh38, 1-based): chr3:128,486,909, A>G on the plus strand (T>C on the coding strand, the complement: GATA2 is on the minus strand). VCF-style: chr3-128486909-A-G. GRCh37 (hg19) VCF-style: chr3-128205752-A-G.
Other names: c.123T>C, p.Pro41= (NM_001145661.2, NM_001145662.1).
Identifiers: ClinVar variation 703319 (VCV000703319.33), dbSNP rs1022734850, ClinGen allele CA435764454.